The following is an entry in ClinVar:

NM_001999.4(FBN2):c.1157T>C (p.Met386Thr)

Gene: FBN2 (fibrillin 2; minus strand). Cytogenetic location: 5q23.3.
Variant type: single nucleotide variant.
Coding change: c.1157T>C on transcript NM_001999.4 (MANE Select); coding-DNA position 1157, T replaced by C.
Protein change: p.Met386Thr; replaces methionine 386 with threonine.
Molecular consequence: missense variant.
Genome position (GRCh38, 1-based): chr5:128,395,196, A>G on the plus strand (T>C on the coding strand, the complement: FBN2 is on the minus strand). VCF-style: chr5-128395196-A-G. GRCh37 (hg19) VCF-style: chr5-127730889-A-G.
Other names: short protein forms M386T.
Identifiers: ClinVar variation 906184 (VCV000906184.9), dbSNP rs750949734, ClinGen allele CA3395869.

ClinVar aggregate classification (germline): Conflicting classifications of pathogenicity. Review status: criteria provided, conflicting classifications (1 of 4 stars). 3 submissions from 3 submitters: Uncertain significance (1); Benign (1); Likely benign (1). Last evaluated 2026-01-26.

Conditions:
Familial thoracic aortic aneurysm and aortic dissection (TAAD). Also called: Thoracic aortic aneurysms and dissections. Identifiers: Orphanet 91387, MedGen C4707243, MONDO:0019625.
Congenital contractural arachnodactyly (CCA). Also called: BEALS SYNDROME; Beals-Hecht syndrome; Arthrogryposis, distal, type 9. Identifiers: Orphanet 115, MedGen C0220668, MONDO:0007363, OMIM 121050.

Allele frequency attached by ClinVar (database versions not stated): gnomAD 0.00001; gnomAD exomes 0.00001 and 0.00003; ExAC 0.00002; TOPMed 0.00004.
gnomAD v4.1: 21 of 1,614,022 alleles (0.0013%); highest among the groups gnomAD compares: East Asian, 0.042%; no homozygotes.

Submissions (3):

Labcorp Genetics (formerly Invitae), Labcorp
Classification: Benign for Congenital contractural arachnodactyly. Last evaluated: 2026-01-26. Review status: criteria provided, single submitter. Criteria: Invitae Variant Classification Sherloc (09022015). Collection method: clinical testing. Allele origin: germline.

Ambry Genetics
Classification: Uncertain significance for Familial thoracic aortic aneurysm and aortic dissection. Last evaluated: 2025-01-09. Review status: criteria provided, single submitter. Criteria: Ambry Variant Classification Scheme 2023. Collection method: clinical testing. Allele origin: germline.
Comment: The p.M386T variant (also known as c.1157T>C), located in coding exon 9 of the FBN2 gene, results from a T to C substitution at nucleotide position 1157. The methionine at codon 386 is replaced by threonine, an amino acid with similar properties. This amino acid position is not well conserved in available vertebrate species. In addition, this alteration is predicted to be tolerated by in silico analysis. Based on the available evidence, the clinical significance of this variant remains unclear.

Illumina Laboratory Services, Illumina
Classification: Likely benign for Congenital contractural arachnodactyly. Last evaluated: 2018-01-12. Review status: criteria provided, single submitter. Criteria: ICSL Variant Classification Criteria 13 December 2019. Collection method: clinical testing. Allele origin: germline.
Comment: This variant was observed in the ICSL laboratory as part of a predisposition screen in an ostensibly healthy population. It had not been previously curated by ICSL or reported in the Human Gene Mutation Database (HGMD: prior to June 1st, 2018), and was therefore a candidate for classification through an automated scoring system. Utilizing variant allele frequency, disease prevalence and penetrance estimates, and inheritance mode, an automated score was calculated to assess if this variant is too frequent to cause the disease. Based on the score and internal cut-off values, a variant classified as likely benign is not then subjected to further curation. The score for this variant resulted in a classification of likely benign for this disease.